The following is an entry in ClinVar:

ClinVar aggregate classification (germline): Uncertain significance (1 of 4 stars; one submission).

gnomAD v4.1: 1 of 1,548,044 alleles (0.000065%); highest among the groups gnomAD compares: Non-Finnish European, 0.000087%; no homozygotes.

Submission:

Mayo Clinic Laboratories, Mayo Clinic
Classification: Uncertain significance. Last evaluated: 2023-06-22. Review status: criteria provided, single submitter. Criteria: ACMG Guidelines, 2015. Collection method: clinical testing. Allele origin: germline. Observed: 1 variant allele.
Comment: BP4, PM2_moderate

NM_001142864.4(PIEZO1):c.4991T>C (p.Leu1664Pro)

Gene: PIEZO1 (piezo type mechanosensitive ion channel component 1 (Er blood group); minus strand). Cytogenetic location: 16q24.3.
Variant type: single nucleotide variant.
Coding change: c.4991T>C on transcript NM_001142864.4 (MANE Select); coding-DNA position 4991, T replaced by C.
Protein change: p.Leu1664Pro; replaces leucine 1664 with proline.
Molecular consequence: missense variant.
Genome position (GRCh38, 1-based): chr16:88,722,031, A>G on the plus strand (T>C on the coding strand, the complement: PIEZO1 is on the minus strand). VCF-style: chr16-88722031-A-G. GRCh37 (hg19) VCF-style: chr16-88788439-A-G.
Other names: p.Leu1664Pro; short protein forms L1664P.
Identifiers: ClinVar variation 3380421 (VCV003380421.1).
Genomic context (GRCh38, chr16:88,722,031, plus strand): 5'-GCCACACACTGGTACACGGCCCGCAGCAGCCGCAGCGCCCGGCCCTGCCCCTCCGCAAAC[A>G]GCTCTGCCTCCTCCAGCTCTGGGATGCGCAGGCGCCTACAGGGAGACCCGCGTGTTTGGG-3'
Protein context (NP_001136336.2, residues 1654-1674): LRIPELEEAE[Leu1664Pro]FAEGQGRALR